The following is an entry in ClinVar:

ClinVar aggregate classification (germline): Pathogenic (1 of 4 stars; one submission).

Conditions:
Spastic paraplegia. Identifiers: MedGen C0037772, HP:0001258.

Submission:

Labcorp Genetics (formerly Invitae), Labcorp
Classification: Pathogenic for Spastic paraplegia. Last evaluated: 2022-11-01. Review status: criteria provided, single submitter. Criteria: Invitae Variant Classification Sherloc (09022015). Collection method: clinical testing. Allele origin: unknown.
Comment: This variant is a gross deletion of the genomic region encompassing exon(s) 30-34 of the ZFYVE26 gene. This deletion is out-of-frame, and is expected to create a premature termination codon and result in an absent or disrupted protein product. Loss-of-function variants in ZFYVE26 are known to be pathogenic (PMID: 18394578, 19805727). For these reasons, this variant has been classified as Pathogenic. This variant has not been reported in the literature in individuals affected with ZFYVE26-related conditions.

Literature cited by the submitters: PubMed 18394578; PubMed 19805727.

NC_000014.8:g.(?_68228910)_(68235275_?)del

Gene: ZFYVE26 (zinc finger FYVE-type containing 26; minus strand). Cytogenetic location: 14q24.1.
Variant type: Deletion.
Identifiers: ClinVar variation 3243955 (VCV003243955.1).